The following is an entry in ClinVar:

NM_001080510.5(METTL23):c.266T>A (p.Leu89Gln)

Gene: METTL23 (methyltransferase 23, arginine; plus strand). Cytogenetic location: 17q25.1.
Variant type: single nucleotide variant.
Coding change: c.266T>A on transcript NM_001080510.5 (MANE Select); coding-DNA position 266, T replaced by A.
Protein change: p.Leu89Gln; replaces leucine 89 with glutamine.
Molecular consequence: missense variant.
Genome position (GRCh38, 1-based): chr17:76,733,159, T>A. VCF-style: chr17-76733159-T-A. GRCh37 (hg19) VCF-style: chr17-74729241-T-A.
Other names: c.266T>A (NM_001206983.1); c.266T>A, p.Leu89Gln (NM_001206983.3, NM_001206984.3, NM_001302703.2 and 2 more transcripts); c.65T>A, p.Leu22Gln (NM_001206985.3, NM_001206986.3, NM_001206987.3 and 2 more transcripts); c.254T>A, p.Leu85Gln (NM_001302705.2, NM_001378350.1, NM_001378351.1 and 2 more transcripts); short protein forms L22Q, L85Q, L89Q.
Identifiers: ClinVar variation 1712311 (VCV001712311.4), dbSNP rs373560298, ClinGen allele CA8790109.

ClinVar aggregate classification (germline): Uncertain significance. Review status: criteria provided, multiple submitters, no conflicts (2 of 4 stars). 3 submissions from 3 submitters: Uncertain significance (3). Last evaluated 2025-08-09.

Conditions:
Intellectual developmental disorder, autosomal recessive 44. Also called: Intellectual disability, autosomal recessive 44. Identifiers: Orphanet 88616, MedGen C4014745, MONDO:0014409, OMIM 615942.
Inborn genetic diseases. Identifiers: MedGen C0950123, MeSH D030342.

Allele frequency attached by ClinVar (database versions not stated): gnomAD exomes 0.00003; ExAC 0.00010; gnomAD 0.00033; 1000 Genomes Project 30x 0.00062; ESP Exome Variant Server 0.00008; TOPMed 0.00039; 1000 Genomes Project 0.00060.

Submissions (3):

Ambry Genetics
Classification: Uncertain significance for Inborn genetic diseases. Last evaluated: 2025-08-09. Review status: criteria provided, single submitter. Criteria: Ambry Variant Classification Scheme 2023. Collection method: clinical testing. Allele origin: germline.

Baylor Genetics
Classification: Uncertain significance for Intellectual developmental disorder, autosomal recessive 44. Last evaluated: 2022-03-23. Review status: criteria provided, single submitter. Criteria: ACMG Guidelines, 2015. Collection method: clinical testing. Allele origin: unknown.

Wangler Lab, Baylor College of Medicine
Classification: Uncertain significance for Intellectual developmental disorder, autosomal recessive 44. Review status: criteria provided, single submitter. Criteria: ACMG Guidelines, 2015. Collection method: clinical testing. Allele origin: paternal. Inheritance: Autosomal recessive inheritance. Affected: yes. Observed: 1 heterozygote.
Comment: This missense METTL23 variant at c.266T>A (p.L89Q) was seen on exome through the Texome project (R01HG011795). This variant has been observed in gnomAD with a frequency of 0.010% in heterozygotes and has not been observed in the homozygous state (PM2). It has an inconclusive CADD score (25.000) with high conservation. We classify this as a variant of uncertain significance.